The following is an entry in ClinVar:

ClinVar aggregate classification (germline): Uncertain significance (1 of 4 stars; one submission).

gnomAD v4.1: 29 of 1,596,908 alleles (0.0018%); highest among the groups gnomAD compares: African/African-American, 0.038%; 1 homozygote.

Submission:

Labcorp Genetics (formerly Invitae), Labcorp
Classification: Uncertain significance. Last evaluated: 2024-04-09. Review status: criteria provided, single submitter. Criteria: Invitae Variant Classification Sherloc (09022015). Collection method: clinical testing. Allele origin: germline.
Comment: This sequence change replaces valine, which is neutral and non-polar, with isoleucine, which is neutral and non-polar, at codon 252 of the IL6ST protein (p.Val252Ile). This variant is present in population databases (rs148108192, gnomAD 0.03%). This variant has not been reported in the literature in individuals affected with IL6ST-related conditions. An algorithm developed to predict the effect of missense changes on protein structure and function (PolyPhen-2) suggests that this variant is likely to be tolerated. In summary, the available evidence is currently insufficient to determine the role of this variant in disease. Therefore, it has been classified as a Variant of Uncertain Significance.

NM_002184.4(IL6ST):c.754G>A (p.Val252Ile)

Gene: IL6ST (interleukin 6 cytokine family signal transducer; minus strand). Cytogenetic location: 5q11.2.
Variant type: single nucleotide variant.
Coding change: c.754G>A on transcript NM_002184.4 (MANE Select); coding-DNA position 754, G replaced by A.
Protein change: p.Val252Ile; replaces valine 252 with isoleucine.
Molecular consequence: missense variant. On other transcripts: 5 prime UTR variant (3), non-coding transcript variant (2).
Genome position (GRCh38, 1-based): chr5:55,963,411, C>T on the plus strand (G>A on the coding strand, the complement: IL6ST is on the minus strand). VCF-style: chr5-55963411-C-T. GRCh37 (hg19) VCF-style: chr5-55259239-C-T.
Other names: c.754G>A, p.Val252Ile (NM_001190981.2, NM_001364275.2, NM_175767.3); c.544G>A, p.Val182Ile (NM_001364276.2); c.-160G>A (NM_001364277.2, NM_001364279.2); c.-150G>A (NM_001364278.2); short protein forms V182I, V252I.
Identifiers: ClinVar variation 3717440 (VCV003717440.2).